The following is an entry in ClinVar:

ClinVar aggregate classification (germline): Uncertain significance (1 of 4 stars; one submission).

Submission:

GeneDx
Classification: Uncertain significance. Last evaluated: 2026-03-13. Review status: criteria provided, single submitter. Criteria: GeneDx Variant Classification Process June 2021. Collection method: clinical testing. Allele origin: germline.
Comment: Not observed at significant frequency in large population cohorts (gnomAD); In silico analysis supports that this missense variant has a deleterious effect on protein structure/function; Has not been previously published as pathogenic or benign to our knowledge

NM_003128.3(SPTBN1):c.3545A>G (p.Glu1182Gly)

Gene: SPTBN1 (spectrin beta, non-erythrocytic 1; plus strand). Cytogenetic location: 2p16.2.
Variant type: single nucleotide variant.
Coding change: c.3545A>G on transcript NM_003128.3 (MANE Select); coding-DNA position 3545, A replaced by G.
Protein change: p.Glu1182Gly; replaces glutamic acid 1182 with glycine.
Molecular consequence: missense variant.
Genome position (GRCh38, 1-based): chr2:54,631,592, A>G. VCF-style: chr2-54631592-A-G. GRCh37 (hg19) VCF-style: chr2-54858729-A-G.
Other names: c.3506A>G, p.Glu1169Gly (NM_178313.3); short protein forms E1169G, E1182G.
Identifiers: ClinVar variation 5008153 (VCV005008153.1).